The following is an entry in ClinVar:

NM_000083.3(CLCN1):c.2244G>A (p.Leu748=)

Gene: CLCN1 (chloride voltage-gated channel 1; plus strand). Cytogenetic location: 7q34.
Variant type: single nucleotide variant.
Coding change: c.2244G>A on transcript NM_000083.3 (MANE Select); coding-DNA position 2244, G replaced by A.
Protein change: p.Leu748=; no amino-acid change (leucine 748 retained).
Molecular consequence: synonymous variant. On other transcripts: non-coding transcript variant (1).
Genome position (GRCh38, 1-based): chr7:143,346,211, G>A. VCF-style: chr7-143346211-G-A. GRCh37 (hg19) VCF-style: chr7-143043304-G-A.
Other names: p.Leu748=.
Identifiers: ClinVar variation 359122 (VCV000359122.21), dbSNP rs78085922, ClinGen allele CA4537600.

ClinVar aggregate classification (germline): Benign. Review status: criteria provided, multiple submitters, no conflicts (2 of 4 stars). 8 submissions from 8 submitters: Benign (6). 2 of the submissions do not count toward it. Last evaluated 2026-02-04.

Conditions:
Batten-Turner congenital myopathy. Also called: Myotonia congenita; Congenital myotonia. Identifiers: Orphanet 206973, MedGen C0027127, MONDO:0100468, OMIM 255300.
Congenital myotonia, autosomal recessive form. Also called: BECKER DISEASE; myotonia congenita, autosomal recessive; Becker Generalized Myotonia. Identifiers: Orphanet 614, MedGen C0751360, MONDO:0009715, OMIM 255700.
Congenital myotonia, autosomal dominant form (THD). Also called: Myotonia congenita autosomal dominant; THOMSEN DISEASE. Identifiers: Orphanet 614, MedGen C2936781, MONDO:0008055, OMIM 160800.

Allele frequency attached by ClinVar (database versions not stated): gnomAD exomes 0.01293 and 0.01296; ExAC 0.01366; 1000 Genomes Project 0.01378; 1000 Genomes Project 30x 0.01452; gnomAD 0.01719 and 0.01785; TOPMed 0.01974; ESP Exome Variant Server 0.02084.
gnomAD v4.1: 21,689 of 1,613,444 alleles (1.3%); highest among the groups gnomAD compares: African/African-American, 3.1%; 218 homozygotes.

Submissions (8):

Labcorp Genetics (formerly Invitae), Labcorp
Classification: Benign for Congenital myotonia, autosomal recessive form; Congenital myotonia, autosomal dominant form. Last evaluated: 2026-02-04. Review status: criteria provided, single submitter. Criteria: Invitae Variant Classification Sherloc (09022015). Collection method: clinical testing. Allele origin: germline.

Athena Diagnostics
Classification: Benign. Last evaluated: 2025-05-08. Review status: criteria provided, single submitter. Criteria: Athena Diagnostics Criteria. Collection method: clinical testing. Allele origin: unknown.
Comment: The frequency of this variant in the general population is higher than would generally be expected for pathogenic variants in this gene.

Mayo Clinic Laboratories, Mayo Clinic
Classification: Benign. Last evaluated: 2018-03-01. Review status: criteria provided, single submitter. Criteria: ACMG Guidelines, 2015. Collection method: clinical testing. Allele origin: germline. Observed: 21 variant alleles.

Illumina Laboratory Services, Illumina
Classification: Benign for Myotonia congenita. Last evaluated: 2018-01-13. Review status: criteria provided, single submitter. Criteria: ICSL Variant Classification Criteria 13 December 2019. Collection method: clinical testing. Allele origin: germline.
Comment: This variant was observed in the ICSL laboratory as part of a predisposition screen in an ostensibly healthy population. It had not been previously curated by ICSL or reported in the Human Gene Mutation Database (HGMD: prior to June 1st, 2018), and was therefore a candidate for classification through an automated scoring system. Utilizing variant allele frequency, disease prevalence and penetrance estimates, and inheritance mode, an automated score was calculated to assess if this variant is too frequent to cause the disease. Based on the score and internal cut-off values, a variant classified as benign is not then subjected to further curation. The score for this variant resulted in a classification of benign for this disease.

GeneDx
Classification: Benign. Last evaluated: 2016-02-03. Review status: criteria provided, single submitter. Criteria: GeneDx Variant Classification (06012015). Collection method: clinical testing. Allele origin: germline. Affected: yes.
Comment: This variant is considered likely benign or benign based on one or more of the following criteria: it is a conservative change, it occurs at a poorly conserved position in the protein, it is predicted to be benign by multiple in silico algorithms, and/or has population frequency not consistent with disease.

Breakthrough Genomics
Classification: Benign. Review status: criteria provided, single submitter. Criteria: ACMG Guidelines, 2015. Collection method: not provided. Allele origin: germline. Inheritance: Autosomal recessive inheritance. Affected: yes.

Joint Genome Diagnostic Labs from Nijmegen and Maastricht, Radboudumc and MUMC+
Classification: Benign. Review status: no assertion criteria provided. Collection method: clinical testing. Allele origin: germline. Affected: yes. Study: VKGL Data-share Consensus. Not counted in ClinVar's aggregate classification.

Laboratory of Diagnostic Genome Analysis, Leiden University Medical Center (LUMC)
Classification: Benign. Review status: no assertion criteria provided. Collection method: clinical testing. Allele origin: germline. Affected: yes. Study: VKGL Data-share Consensus. Not counted in ClinVar's aggregate classification.